The following is an entry in ClinVar:

NM_000565.4(IL6R):c.950-8G>A

Gene: IL6R (interleukin 6 receptor; plus strand). Cytogenetic location: 1q21.3.
Variant type: single nucleotide variant.
Coding change: c.950-8G>A on transcript NM_000565.4 (MANE Select); 8 bases into the intron before coding-DNA position 950, G replaced by A.
Molecular consequence: intron variant.
Genome position (GRCh38, 1-based): chr1:154,448,117, G>A. VCF-style: chr1-154448117-G-A. GRCh37 (hg19) VCF-style: chr1-154420593-G-A.
Other names: c.998-8G>A (NM_001382771.1, NM_001382773.1); c.1043-8G>A (NM_001382770.1); c.950-8G>A (NM_001382769.1, NM_181359.3, NM_000565.3); c.944-8G>A (NM_001382772.1); c.590-8G>A (NM_001382774.1).
Identifiers: ClinVar variation 1601641 (VCV001601641.11), dbSNP rs576503217, ClinGen allele CA1129208.
Genomic context (GRCh38, chr1:154,448,117, plus strand): 5'-CTGAAGCCCCTGAGACAGGACTCCAGGGCCCATGAATCACTAATAATGAGCCTTTCTTCT[G>A]TCCGCAGAATCCAGGAGTCCTCCAGCTGAGAACGAGGTGTCCACCCCCATGCAGGTGAGC-3'

ClinVar aggregate classification (germline): Benign/Likely benign. Review status: criteria provided, multiple submitters, no conflicts (2 of 4 stars). 3 submissions from 3 submitters: Benign (1); Likely benign (1). 1 of the submissions does not count toward it. Last evaluated 2026-01-12.

Conditions:
IL6R-related disorder. Also called: IL6R-related condition.

Allele frequency attached by ClinVar (database versions not stated): gnomAD 0.00001 and 0.00019; TOPMed 0.00004; gnomAD exomes 0.00026 and 0.00050; ExAC 0.00060; 1000 Genomes Project 0.00140; 1000 Genomes Project 30x 0.00141.
gnomAD v4.1: 413 of 1,612,926 alleles (0.026%); highest among the groups gnomAD compares: South Asian, 0.42%; 3 homozygotes.

Submissions (3):

Labcorp Genetics (formerly Invitae), Labcorp
Classification: Benign. Last evaluated: 2026-01-12. Review status: criteria provided, single submitter. Criteria: Invitae Variant Classification Sherloc (09022015). Collection method: clinical testing. Allele origin: germline.

Blueprint Genetics
Classification: Likely benign. Last evaluated: 2024-11-18. Review status: criteria provided, single submitter. Criteria: ACMG Guidelines, 2015. Collection method: clinical testing. Allele origin: germline.

PreventionGenetics, part of Exact Sciences
Classification: Likely benign for IL6R-related condition. Last evaluated: 2019-02-21. Review status: no assertion criteria provided. Collection method: clinical testing. Allele origin: germline. Not counted in ClinVar's aggregate classification.
Comment: This variant is classified as likely benign based on ACMG/AMP sequence variant interpretation guidelines (Richards et al. 2015 PMID: 25741868, with internal and published modifications).